The following is an entry in ClinVar:

ClinVar aggregate classification (germline): Uncertain significance (1 of 4 stars; one submission).

Allele frequency attached by ClinVar (database versions not stated): gnomAD exomes below 0.00001; gnomAD 0.00001.
gnomAD v4.1: 2 of 1,613,874 alleles (0.00012%); highest among the groups gnomAD compares: Admixed American, 0.0017%; no homozygotes.

Submission:

Labcorp Genetics (formerly Invitae), Labcorp
Classification: Uncertain significance. Last evaluated: 2023-02-02. Review status: criteria provided, single submitter. Criteria: Invitae Variant Classification Sherloc (09022015). Collection method: clinical testing. Allele origin: germline.
Comment: Advanced modeling of protein sequence and biophysical properties (such as structural, functional, and spatial information, amino acid conservation, physicochemical variation, residue mobility, and thermodynamic stability) performed at Invitae indicates that this missense variant is not expected to disrupt FLNB protein function. This sequence change replaces proline, which is neutral and non-polar, with alanine, which is neutral and non-polar, at codon 1389 of the FLNB protein (p.Pro1389Ala). This variant is present in population databases (no rsID available, gnomAD 0.003%). This variant has not been reported in the literature in individuals affected with FLNB-related conditions. In summary, the available evidence is currently insufficient to determine the role of this variant in disease. Therefore, it has been classified as a Variant of Uncertain Significance.

NM_001457.4(FLNB):c.4165C>G (p.Pro1389Ala)

Gene: FLNB (filamin B; plus strand). Cytogenetic location: 3p14.3.
Variant type: single nucleotide variant.
Coding change: c.4165C>G on transcript NM_001457.4 (MANE Select); coding-DNA position 4165, C replaced by G.
Protein change: p.Pro1389Ala; replaces proline 1389 with alanine.
Molecular consequence: missense variant.
Genome position (GRCh38, 1-based): chr3:58,126,705, C>G. VCF-style: chr3-58126705-C-G. GRCh37 (hg19) VCF-style: chr3-58112432-C-G.
Other names: c.4165C>G, p.Pro1389Ala (NM_001164317.2, NM_001164318.2, NM_001164319.2); short protein forms P1389A.
Identifiers: ClinVar variation 2963357 (VCV002963357.3), dbSNP rs1214485010, ClinGen allele CA353350340.